The following is an entry in ClinVar:

NM_030662.4(MAP2K2):c.303+15del

Gene: MAP2K2 (mitogen-activated protein kinase kinase 2; minus strand). Cytogenetic location: 19p13.3.
Variant type: Deletion.
Coding change: c.303+15del on transcript NM_030662.4 (MANE Select); 15 bases into the intron after coding-DNA position 303, one base deleted (G; older notation c.303+15delG).
Molecular consequence: intron variant.
Genome position (GRCh38, 1-based): chr19:4,117,404, C deleted on the plus strand (G on the coding strand, the reverse complement: MAP2K2 is on the minus strand); the first of 4 consecutive C bases (chr19:4,117,404-4,117,407); deleting any one gives the same sequence. VCF-style (leftmost placement, unchanged base first): chr19-4117403-AC-A. GRCh37 (hg19) VCF-style: chr19-4117401-AC-A.
Other names: c.303+15delG (NM_030662.3).
Identifiers: ClinVar variation 422217 (VCV000422217.5), dbSNP rs758256765, ClinGen allele CA9091054.

ClinVar aggregate classification (germline): Benign/Likely benign. Review status: criteria provided, multiple submitters, no conflicts (2 of 4 stars). 2 submissions from 2 submitters: Benign (1); Likely benign (1). Last evaluated 2025-12-22.

Conditions:
RASopathy. Also called: rasopathies; Noonan spectrum disorder. Identifiers: Orphanet 536391, MedGen C5555857, MONDO:0021060.

Submissions (2):

Labcorp Genetics (formerly Invitae), Labcorp
Classification: Benign for RASopathy. Last evaluated: 2025-12-22. Review status: criteria provided, single submitter. Criteria: Invitae Variant Classification Sherloc (09022015). Collection method: clinical testing. Allele origin: germline.

GeneDx
Classification: Likely benign. Last evaluated: 2016-09-09. Review status: criteria provided, single submitter. Criteria: GeneDx Variant Classification (06012015). Collection method: clinical testing. Allele origin: germline. Affected: yes.
Comment: This variant is considered likely benign or benign based on one or more of the following criteria: it is a conservative change, it occurs at a poorly conserved position in the protein, it is predicted to be benign by multiple in silico algorithms, and/or has population frequency not consistent with disease.